The following is an entry in ClinVar:

ClinVar aggregate classification (germline): Uncertain significance (1 of 4 stars; one submission).

Conditions:
Arrhythmogenic right ventricular dysplasia 10. Also called: Arrhythmogenic Right Ventricular Dysplasia/Cardiomyopathy10; ARRHYTHMOGENIC RIGHT VENTRICULAR DYSPLASIA, FAMILIAL, 10; Arrhythmogenic right ventricular dysplasia/cardiomyopathy, type 10. Identifiers: MedGen C1857777, MONDO:0012434, OMIM 610193.

gnomAD v4.1: 2 of 1,614,112 alleles (0.00012%); highest among the groups gnomAD compares: African/African-American, 0.0027%; no homozygotes.

Submission:

Labcorp Genetics (formerly Invitae), Labcorp
Classification: Uncertain significance for Arrhythmogenic right ventricular dysplasia 10. Last evaluated: 2025-11-03. Review status: criteria provided, single submitter. Criteria: Invitae Variant Classification Sherloc (09022015). Collection method: clinical testing. Allele origin: germline.
Comment: This sequence change replaces proline, which is neutral and non-polar, with leucine, which is neutral and non-polar, at codon 538 of the DSG2 protein (p.Pro538Leu). This variant is not present in population databases (gnomAD no frequency). This variant has not been reported in the literature in individuals affected with DSG2-related conditions. ClinVar contains an entry for this variant (Variation ID: 1987294). Invitae Evidence Modeling of protein sequence and biophysical properties (such as structural, functional, and spatial information, amino acid conservation, physicochemical variation, residue mobility, and thermodynamic stability) indicates that this missense variant is not expected to disrupt DSG2 protein function with a negative predictive value of 95%. In summary, the available evidence is currently insufficient to determine the role of this variant in disease. Therefore, it has been classified as a Variant of Uncertain Significance.

NM_001943.5(DSG2):c.1613C>T (p.Pro538Leu)

Gene: DSG2 (desmoglein 2; plus strand). Cytogenetic location: 18q12.1.
Variant type: single nucleotide variant.
Coding change: c.1613C>T on transcript NM_001943.5 (MANE Select); coding-DNA position 1613, C replaced by T.
Protein change: p.Pro538Leu; replaces proline 538 with leucine.
Molecular consequence: missense variant.
Genome position (GRCh38, 1-based): chr18:31,536,391, C>T. VCF-style: chr18-31536391-C-T. GRCh37 (hg19) VCF-style: chr18-29116354-C-T.
Other names: short protein forms P538L.
Identifiers: ClinVar variation 1987294 (VCV001987294.4), dbSNP rs372178321, ClinGen allele CA297741605.